The following is an entry in ClinVar:

ClinVar aggregate classification (germline): Uncertain significance. Review status: criteria provided, multiple submitters, no conflicts (2 of 4 stars). 2 submissions from 2 submitters: Uncertain significance (2). Last evaluated 2022-03-16.

Conditions:
Polycystic kidney disease 4 (PKD4). Also called: PKD3; POLYCYSTIC KIDNEY AND HEPATIC DISEASE 1; POLYCYSTIC KIDNEY DISEASE, INFANTILE, TYPE I; POLYCYSTIC KIDNEY DISEASE 4 WITH OR WITHOUT POLYCYSTIC LIVER DISEASE; Autosomal Recessive Polycystic Kidney Disease – PKHD1. Identifiers: MedGen C4540575, MONDO:0033004, OMIM 263200.
Autosomal recessive polycystic kidney disease (ARPKD). Also called: AR polycystic kidney disease. Identifiers: Orphanet 731, Orphanet 8378, MedGen C0085548, MeSH D017044, MONDO:0009889.

Allele frequency attached by ClinVar (database versions not stated): gnomAD exomes below 0.00001; ExAC 0.00001; TOPMed 0.00001.
gnomAD v4.1: 9 of 1,601,750 alleles (0.00056%); highest among the groups gnomAD compares: Admixed American, 0.0017%; no homozygotes.

Submissions (2):

Fulgent Genetics
Classification: Uncertain significance for Polycystic kidney disease 4. Last evaluated: 2022-03-16. Review status: criteria provided, single submitter. Criteria: ACMG Guidelines, 2015. Collection method: clinical testing. Allele origin: unknown.

Labcorp Genetics (formerly Invitae), Labcorp
Classification: Uncertain significance for Autosomal recessive polycystic kidney disease. Last evaluated: 2021-09-17. Review status: criteria provided, single submitter. Criteria: Invitae Variant Classification Sherloc (09022015). Collection method: clinical testing. Allele origin: germline.
Comment: This sequence change replaces valine with isoleucine at codon 2584 of the PKHD1 protein (p.Val2584Ile). The valine residue is highly conserved and there is a small physicochemical difference between valine and isoleucine. This variant is present in population databases (rs748895723, ExAC 0.009%). This variant has not been reported in the literature in individuals with PKHD1-related conditions. Advanced modeling of protein sequence and biophysical properties (such as structural, functional, and spatial information, amino acid conservation, physicochemical variation, residue mobility, and thermodynamic stability) performed at Invitae indicates that this missense variant is not expected to disrupt PKHD1 protein function. In summary, the available evidence is currently insufficient to determine the role of this variant in disease. Therefore, it has been classified as a Variant of Uncertain Significance.

NM_138694.4(PKHD1):c.7750G>A (p.Val2584Ile)

Gene: PKHD1 (PKHD1 ciliary IPT domain containing fibrocystin/polyductin; minus strand). Cytogenetic location: 6p12.2.
Variant type: single nucleotide variant.
Coding change: c.7750G>A on transcript NM_138694.4 (MANE Select); coding-DNA position 7750, G replaced by A.
Protein change: p.Val2584Ile; replaces valine 2584 with isoleucine.
Molecular consequence: missense variant.
Genome position (GRCh38, 1-based): chr6:51,856,054, C>T on the plus strand (G>A on the coding strand, the complement: PKHD1 is on the minus strand). VCF-style: chr6-51856054-C-T. GRCh37 (hg19) VCF-style: chr6-51720852-C-T.
Other names: c.7750G>A, p.Val2584Ile (NM_170724.3); short protein forms V2584I.
Identifiers: ClinVar variation 1403219 (VCV001403219.6), dbSNP rs748895723, ClinGen allele CA3851841.
Genomic context (GRCh38, chr6:51,856,054, plus strand): 5'-GTACATAATTGACAGTGGTTGTTTTATTTCTGCTGTCAGTCATGGTTAAATCATAAGAAA[C>T]TTCAGGAGTATTCGCTCTAAGGTGATTTTAAAAGGAAAAAAAATGGGTTGAGAGATTATT-3'
Protein context (NP_619639.3, residues 2574-2594): MSIGLANTPE[Val2584Ile]SYDLTMTDSR